The following is an entry in ClinVar:

NM_001127178.3(PIGG):c.257G>C (p.Gly86Ala)

Gene: PIGG (phosphatidylinositol glycan anchor biosynthesis class G (EMM blood group); plus strand). Cytogenetic location: 4p16.3.
Variant type: single nucleotide variant.
Coding change: c.257G>C on transcript NM_001127178.3 (MANE Select); coding-DNA position 257, G replaced by C.
Protein change: p.Gly86Ala; replaces glycine 86 with alanine.
Molecular consequence: missense variant. On other transcripts: non-coding transcript variant (10), 5 prime UTR variant (10).
Genome position (GRCh38, 1-based): chr4:500,498, G>C. VCF-style: chr4-500498-G-C. GRCh37 (hg19) VCF-style: chr4-494287-G-C.
Other names: c.-11G>C (NM_001289051.2, NM_001289053.2, NM_001289057.2 and 2 more transcripts); c.257G>C, p.Gly86Ala (NM_001289052.2, NM_001345989.2, NM_017733.5); c.-180G>C (NM_001289055.2); c.-631G>C (NM_001345988.2); c.-1369G>C (NM_001345990.2); c.-1231G>C (NM_001345991.2); c.-956G>C (NM_001345994.2); short protein forms G86A.
Identifiers: ClinVar variation 3646930 (VCV003646930.2).
Genomic context (GRCh38, chr4:500,498, plus strand): 5'-GTAAAGTTGTTATTGTTCTGATAGATGCCTTGAGAGATGATTTTGTGTTTGGGTCAAAGG[G>C]TGTGAAATTTATGCCCTACACAACTTACCTTGTGGAAAAAGGAGCATCTCACAGTTTTGT-3'
Protein context (NP_001120650.1, residues 76-96): LRDDFVFGSK[Gly86Ala]VKFMPYTTYL

ClinVar aggregate classification (germline): Uncertain significance (1 of 4 stars; one submission).

Conditions:
Intellectual disability, autosomal recessive 53 (NEDHSCA). Also called: GLYCOSYLPHOSPHATIDYLINOSITOL BIOSYNTHESIS DEFECT 13; Mental retardation, autosomal recessive 53; NEURODEVELOPMENTAL DISORDER WITH OR WITHOUT HYPOTONIA, SEIZURES, AND CEREBELLAR ATROPHY. Identifiers: Orphanet 488635, MedGen C4310794, MONDO:0014832, OMIM 616917.

Submission:

Labcorp Genetics (formerly Invitae), Labcorp
Classification: Uncertain significance for Intellectual disability, autosomal recessive 53. Last evaluated: 2024-03-20. Review status: criteria provided, single submitter. Criteria: Invitae Variant Classification Sherloc (09022015). Collection method: clinical testing. Allele origin: germline.
Comment: This sequence change replaces glycine, which is neutral and non-polar, with alanine, which is neutral and non-polar, at codon 86 of the PIGG protein (p.Gly86Ala). This variant is not present in population databases (gnomAD no frequency). This variant has not been reported in the literature in individuals affected with PIGG-related conditions. Advanced modeling of protein sequence and biophysical properties (such as structural, functional, and spatial information, amino acid conservation, physicochemical variation, residue mobility, and thermodynamic stability) performed at Invitae indicates that this missense variant is expected to disrupt PIGG protein function with a positive predictive value of 80%. In summary, the available evidence is currently insufficient to determine the role of this variant in disease. Therefore, it has been classified as a Variant of Uncertain Significance.